The following is an entry in ClinVar:

ClinVar aggregate classification (germline): Uncertain significance (1 of 4 stars; one submission).

Conditions:
Nemaline myopathy 6 (NEM6). Also called: Nemaline myopathy 6, autosomal dominant. Identifiers: Orphanet 171439, MedGen C1836472, MONDO:0012237, OMIM 609273.

Allele frequency attached by ClinVar (database versions not stated): TOPMed below 0.00001.

Submission:

Labcorp Genetics (formerly Invitae), Labcorp
Classification: Uncertain significance for Nemaline myopathy 6. Last evaluated: 2024-05-08. Review status: criteria provided, single submitter. Criteria: Invitae Variant Classification Sherloc (09022015). Collection method: clinical testing. Allele origin: germline.
Comment: This sequence change replaces glutamic acid, which is acidic and polar, with lysine, which is basic and polar, at codon 47 of the KBTBD13 protein (p.Glu47Lys). This variant is not present in population databases (gnomAD no frequency). This variant has not been reported in the literature in individuals affected with KBTBD13-related conditions. Advanced modeling of protein sequence and biophysical properties (such as structural, functional, and spatial information, amino acid conservation, physicochemical variation, residue mobility, and thermodynamic stability) performed at Invitae indicates that this missense variant is not expected to disrupt KBTBD13 protein function with a negative predictive value of 80%. In summary, the available evidence is currently insufficient to determine the role of this variant in disease. Therefore, it has been classified as a Variant of Uncertain Significance.

NM_001101362.3(KBTBD13):c.139G>A (p.Glu47Lys)

Gene: KBTBD13 (kelch repeat and BTB domain containing 13; plus strand). Cytogenetic location: 15q22.31.
Variant type: single nucleotide variant.
Coding change: c.139G>A on transcript NM_001101362.3 (MANE Select); coding-DNA position 139, G replaced by A.
Protein change: p.Glu47Lys; replaces glutamic acid 47 with lysine.
Molecular consequence: missense variant.
Genome position (GRCh38, 1-based): chr15:65,076,954, G>A. VCF-style: chr15-65076954-G-A. GRCh37 (hg19) VCF-style: chr15-65369292-G-A.
Other names: short protein forms E47K.
Identifiers: ClinVar variation 2995074 (VCV002995074.3), dbSNP rs2086978550, ClinGen allele CA392856681.